The following is an entry in ClinVar:

NM_001378454.1(ALMS1):c.11413C>T (p.Arg3805Ter)

Gene: ALMS1 (ALMS1 centrosome and basal body associated protein; plus strand). Cytogenetic location: 2p13.1.
Variant type: single nucleotide variant.
Coding change: c.11413C>T on transcript NM_001378454.1 (MANE Select); coding-DNA position 11413, C replaced by T.
Protein change: p.Arg3805Ter; replaces arginine 3805 with a stop codon.
Molecular consequence: nonsense.
Genome position (GRCh38, 1-based): chr2:73,573,290, C>T. VCF-style: chr2-73573290-C-T. GRCh37 (hg19) VCF-style: chr2-73800417-C-T.
Other names: c.11416C>T, p.Arg3806Ter (NM_015120.4); short protein forms R3805*, R3806*.
Identifiers: ClinVar variation 865871 (VCV000865871.20), dbSNP rs376091780, ClinGen allele CA1715187.

ClinVar aggregate classification (germline): Pathogenic. Review status: criteria provided, multiple submitters, no conflicts (2 of 4 stars). 7 submissions from 7 submitters: Pathogenic (7). Last evaluated 2025-10-25.

Conditions:
Cardiovascular phenotype. Identifiers: MedGen CN230736.
Alstrom syndrome (ALMS). Identifiers: Orphanet 64, MedGen C0268425, MONDO:0008763, OMIM 203800.
ALMS1-related disorder. Also called: ALMS1-related condition.

Allele frequency attached by ClinVar (database versions not stated): gnomAD 0.00003 and 0.00004; ESP Exome Variant Server 0.00008; TOPMed 0.00008.
gnomAD v4.1: 31 of 1,613,948 alleles (0.0019%); highest among the groups gnomAD compares: Middle Eastern, 0.016%; no homozygotes.

Submissions (7):

Labcorp Genetics (formerly Invitae), Labcorp
Classification: Pathogenic for Alstrom syndrome. Last evaluated: 2025-10-25. Review status: criteria provided, single submitter. Criteria: Invitae Variant Classification Sherloc (09022015). Collection method: clinical testing. Allele origin: germline.
Comment: This sequence change creates a premature translational stop signal (p.Arg3806*) in the ALMS1 gene. It is expected to result in an absent or disrupted protein product. Loss-of-function variants in ALMS1 are known to be pathogenic (PMID: 17594715). This variant is present in population databases (rs376091780, gnomAD 0.008%). This premature translational stop signal has been observed in individuals with Alstrom syndrome (PMID: 16720663, 23847139). This variant is also known as c.11410C>T (p.Arg3804*). ClinVar contains an entry for this variant (Variation ID: 865871). For these reasons, this variant has been classified as Pathogenic.

Ambry Genetics
Classification: Pathogenic for Cardiovascular phenotype. Last evaluated: 2025-07-09. Review status: criteria provided, single submitter. Criteria: Ambry Variant Classification Scheme 2023. Collection method: clinical testing. Allele origin: germline.
Comment: The p.R3806* pathogenic mutation (also known as c.11416C>T), located in coding exon 16 of the ALMS1 gene, results from a C to T substitution at nucleotide position 11416. This changes the amino acid from an arginine to a stop codon within coding exon 16. This variant has been identified in the homozygous state and/or in conjunction with other variant(s) in this same gene in individual(s) with features consistent with Alstrom syndrome and segregated with disease in at least one family (Mokashi A et al. Pediatr Diabetes, 2011 May;12:270-5; Dotan G et al. Ophthalmic Genet, 2017 Jan;38:440-445; Brofferio A et al. Mol Genet Metab, 2017 Aug;121:336-343). This variant is considered to be rare based on population cohorts in the Genome Aggregation Database (gnomAD). This alteration is expected to result in loss of function by premature protein truncation or nonsense-mediated mRNA decay. As such, this alteration is interpreted as a disease-causing mutation.

Natera, Inc.
Classification: Pathogenic for Alstrom syndrome. Last evaluated: 2024-09-16. Review status: criteria provided, single submitter. Criteria: Natera Variant Classification Schema (03/2026). Collection method: clinical testing. Allele origin: germline.
Comment: The c.11416C>T variant in ALMS1 is a nonsense variant predicted to introduce a stop codon at amino acid 3806. This variant is expected to result in nonsense mediated decay, truncation, or a dysfunctional protein product. This variant is rare in the general population with a frequency below the threshold expected for the associated phenotype(s). This variant has been observed in one or more individuals affected with the associated recessive disease, as either homozygous or compound heterozygous with a second variant (PMID: 17594715). Given the available evidence, this variant is classified as Pathogenic.

Molecular Genetics, Royal Melbourne Hospital
Classification: Pathogenic for Alstrom syndrome. Last evaluated: 2023-07-07. Review status: criteria provided, single submitter. Criteria: ACMG Guidelines, 2015. Collection method: clinical testing. Allele origin: germline. Inheritance: Autosomal recessive inheritance.
Comment: This sequence change in ALMS1 is a nonsense variant predicted to cause a premature stop codon, p.(Arg3805*), in biologically relevant exon 16/23 leading to nonsense-mediated decay in a gene in which loss-of-function is an established disease mechanism. The highest population minor allele frequency in the population database gnomAD v2.1 is 0.008% (2/24,194 alleles) in the African/African American population, which is consistent with recessive disease. This variant has been detected in the homozygous and compound heterozygous state in multiple individuals with Alstrom syndrome (PMID: 16720663, 23847139, 34148116). Based on the classification scheme RMH Modified ACMG/AMP Guidelines v1.6.1, this variant is classified as PATHOGENIC. Following criteria are met: PVS1, PM3_Strong, PM2_Supporting.

GeneDx
Classification: Pathogenic. Last evaluated: 2023-06-13. Review status: criteria provided, single submitter. Criteria: GeneDx Variant Classification Process June 2021. Collection method: clinical testing. Allele origin: germline. Affected: yes.
Comment: Nonsense variant predicted to result in protein truncation or nonsense mediated decay in a gene for which loss of function is a known mechanism of disease; Not observed at significant frequency in large population cohorts (gnomAD); This variant is associated with the following publications: (PMID: 16720663, 23847139, 32944671, 34148116, 15689433)

Blueprint Genetics
Classification: Pathogenic for ALMS1-related disorders. Last evaluated: 2019-05-20. Review status: criteria provided, single submitter. Criteria: ACMG Guidelines, 2015. Collection method: clinical testing. Allele origin: germline. Affected: yes. Observed: 3 variant alleles.

Kariminejad - Najmabadi Pathology & Genetics Center
Classification: Pathogenic for Alstrom syndrome. Review status: criteria provided, single submitter. Criteria: ACMG Guidelines, 2015. Collection method: clinical testing. Allele origin: germline. Affected: no.

Literature cited by the submitters: PubMed 17594715 (cited by Labcorp Genetics (formerly Invitae), Labcorp and Natera, Inc.); PubMed 16720663 (cited by Labcorp Genetics (formerly Invitae), Labcorp and Molecular Genetics, Royal Melbourne Hospital); PubMed 23847139 (cited by Labcorp Genetics (formerly Invitae), Labcorp and Molecular Genetics, Royal Melbourne Hospital); PubMed 21518413 (cited by Ambry Genetics); PubMed 28112973 (cited by Ambry Genetics); PubMed 28610912 (cited by Ambry Genetics); PubMed 34148116 (cited by Molecular Genetics, Royal Melbourne Hospital).